The following is an entry in ClinVar:

ClinVar aggregate classification (germline): Uncertain significance (1 of 4 stars; one submission).

Conditions:
Chédiak-Higashi syndrome (CHS). Also called: Chediak-Higashi Syndrome. Identifiers: Orphanet 167, MedGen C0007965, MONDO:0008963, OMIM 214500.

Allele frequency attached by ClinVar (database versions not stated): gnomAD exomes below 0.00001; ExAC 0.00001.
gnomAD v4.1: 1 of 1,614,138 alleles (0.000062%); highest among the groups gnomAD compares: Admixed American, 0.0017%; no homozygotes.

Submission:

Labcorp Genetics (formerly Invitae), Labcorp
Classification: Uncertain significance for Chédiak-Higashi syndrome. Last evaluated: 2023-09-20. Review status: criteria provided, single submitter. Criteria: Invitae Variant Classification Sherloc (09022015). Collection method: clinical testing. Allele origin: germline.
Comment: This sequence change replaces isoleucine, which is neutral and non-polar, with methionine, which is neutral and non-polar, at codon 3705 of the LYST protein (p.Ile3705Met). This variant is present in population databases (rs764277268, gnomAD 0.003%). This variant has not been reported in the literature in individuals affected with LYST-related conditions. Advanced modeling of protein sequence and biophysical properties (such as structural, functional, and spatial information, amino acid conservation, physicochemical variation, residue mobility, and thermodynamic stability) performed at Invitae indicates that this missense variant is not expected to disrupt LYST protein function. In summary, the available evidence is currently insufficient to determine the role of this variant in disease. Therefore, it has been classified as a Variant of Uncertain Significance.

NM_000081.4(LYST):c.11115C>G (p.Ile3705Met)

Gene: LYST (lysosomal trafficking regulator; minus strand). Cytogenetic location: 1q42.3.
Variant type: single nucleotide variant.
Coding change: c.11115C>G on transcript NM_000081.4 (MANE Select); coding-DNA position 11115, C replaced by G.
Protein change: p.Ile3705Met; replaces isoleucine 3705 with methionine.
Molecular consequence: missense variant.
Genome position (GRCh38, 1-based): chr1:235,664,545, G>C on the plus strand (C>G on the coding strand, the complement: LYST is on the minus strand). VCF-style: chr1-235664545-G-C. GRCh37 (hg19) VCF-style: chr1-235827845-G-C.
Other names: c.11115C>G, p.Ile3705Met (NM_001301365.1); short protein forms I3705M.
Identifiers: ClinVar variation 2725713 (VCV002725713.1), dbSNP rs764277268, ClinGen allele CA1465209.